The following is an entry in ClinVar:

NM_001330311.2(DVL1):c.863C>T (p.Ala288Val)

Gene: DVL1 (dishevelled segment polarity protein 1; minus strand). Cytogenetic location: 1p36.33.
Variant type: single nucleotide variant.
Coding change: c.863C>T on transcript NM_001330311.2 (MANE Select); coding-DNA position 863, C replaced by T.
Protein change: p.Ala288Val; replaces alanine 288 with valine.
Molecular consequence: missense variant.
Genome position (GRCh38, 1-based): chr1:1,340,084, G>A on the plus strand (C>T on the coding strand, the complement: DVL1 is on the minus strand). VCF-style: chr1-1340084-G-A. GRCh37 (hg19) VCF-style: chr1-1275464-G-A.
Other names: c.863C>T, p.Ala288Val (NM_004421.3); c.863C>T (NM_004421.2); short protein forms A288V.
Identifiers: ClinVar variation 1382919 (VCV001382919.7), dbSNP rs1643737262, ClinGen allele CA337869443.

ClinVar aggregate classification (germline): Uncertain significance. Review status: criteria provided, multiple submitters, no conflicts (2 of 4 stars). 3 submissions from 3 submitters: Uncertain significance (3). Last evaluated 2025-08-05.

Conditions:
Inborn genetic diseases. Identifiers: MedGen C0950123, MeSH D030342.
Autosomal dominant Robinow syndrome 2. Identifiers: Orphanet 3107, Orphanet 97360, MedGen C4225363, MONDO:0014591, OMIM 616331.

Allele frequency attached by ClinVar (database versions not stated): gnomAD exomes below 0.00001.
gnomAD v4.1: 2 of 1,613,152 alleles (0.00012%); highest among the groups gnomAD compares: African/African-American, 0.0013%; no homozygotes.

Submissions (3):

Ambry Genetics
Classification: Uncertain significance for Inborn genetic diseases. Last evaluated: 2025-08-05. Review status: criteria provided, single submitter. Criteria: Ambry Variant Classification Scheme 2023. Collection method: clinical testing. Allele origin: germline.

Clinical Genomics Laboratory, Washington University in St. Louis
Classification: Uncertain significance for Autosomal dominant Robinow syndrome 2. Last evaluated: 2023-07-21. Review status: criteria provided, single submitter. Criteria: ACMG Guidelines, 2015. Collection method: clinical testing. Allele origin: germline.
Comment: The DVL1 c.863C>T (p.Ala288Val) variant, to our knowledge, has not been reported in the medical literature but has been reported in the ClinVar database as a germline variant of uncertain significance by one submitter. This variant is absent from the general population (gnomAD v.2.1.1), indicating it is not a common variant. Computational predictors are uncertain as to the impact of this variant on DVL1 function. Due to limited information, and based on ACMG/AMP guidelines for variant interpretation (Richards S et al., PMID: 25741868), the clinical significance of this variant is uncertain at this time.

Labcorp Genetics (formerly Invitae), Labcorp
Classification: Uncertain significance. Last evaluated: 2022-06-27. Review status: criteria provided, single submitter. Criteria: Invitae Variant Classification Sherloc (09022015). Collection method: clinical testing. Allele origin: germline.
Comment: In summary, the available evidence is currently insufficient to determine the role of this variant in disease. Therefore, it has been classified as a Variant of Uncertain Significance. Algorithms developed to predict the effect of missense changes on protein structure and function are either unavailable or do not agree on the potential impact of this missense change (SIFT: "Deleterious"; PolyPhen-2: "Possibly Damaging"; Align-GVGD: "Class C0"). This variant has not been reported in the literature in individuals affected with DVL1-related conditions. This variant is not present in population databases (gnomAD no frequency). This sequence change replaces alanine, which is neutral and non-polar, with valine, which is neutral and non-polar, at codon 288 of the DVL1 protein (p.Ala288Val).